The following is an entry in ClinVar:

NM_002235.5(KCNA6):c.688G>C (p.Asp230His)

Genes: KCNA6 (potassium voltage-gated channel subfamily A member 6; plus strand), KCNA6-AS1 (KCNA6 antisense RNA 1; minus strand). Cytogenetic location: 12p13.32.
Variant type: single nucleotide variant.
Coding change: c.688G>C on transcript NM_002235.5 (MANE Select); coding-DNA position 688, G replaced by C.
Protein change: p.Asp230His; replaces aspartic acid 230 with histidine.
Molecular consequence: missense variant. On other transcripts: non-coding transcript variant (3).
Genome position (GRCh38, 1-based): chr12:4,810,729, G>C. VCF-style: chr12-4810729-G-C. GRCh37 (hg19) VCF-style: chr12-4919895-G-C.
Other names: short protein forms D230H.
Identifiers: ClinVar variation 3372884 (VCV003372884.2).

ClinVar aggregate classification (germline): Uncertain significance. Review status: criteria provided, multiple submitters, no conflicts (2 of 4 stars). 2 submissions from 2 submitters: Uncertain significance (2). Last evaluated 2024-10-16.

Conditions:
Inborn genetic diseases. Identifiers: MedGen C0950123, MeSH D030342.

Submissions (2):

Ambry Genetics
Classification: Uncertain significance for Inborn genetic diseases. Last evaluated: 2024-10-16. Review status: criteria provided, single submitter. Criteria: Ambry Variant Classification Scheme 2023. Collection method: clinical testing. Allele origin: germline.

GeneDx
Classification: Uncertain significance. Last evaluated: 2024-04-24. Review status: criteria provided, single submitter. Criteria: GeneDx Variant Classification Process June 2021. Collection method: clinical testing. Allele origin: germline. Affected: yes.
Comment: Not observed at significant frequency in large population cohorts (gnomAD); In silico analysis indicates that this missense variant does not alter protein structure/function; Has not been previously published as pathogenic or benign to our knowledge